The following is an entry in ClinVar:

NM_000138.5(FBN1):c.7604G>A (p.Cys2535Tyr)

Gene: FBN1 (fibrillin 1; minus strand). Cytogenetic location: 15q21.1.
Variant type: single nucleotide variant.
Coding change: c.7604G>A on transcript NM_000138.5 (MANE Select); coding-DNA position 7604, G replaced by A.
Protein change: p.Cys2535Tyr; replaces cysteine 2535 with tyrosine.
Molecular consequence: missense variant.
Genome position (GRCh38, 1-based): chr15:48,421,653, C>T on the plus strand (G>A on the coding strand, the complement: FBN1 is on the minus strand). VCF-style: chr15-48421653-C-T. GRCh37 (hg19) VCF-style: chr15-48713850-C-T.
Other names: short protein forms C2535Y.
Identifiers: ClinVar variation 200118 (VCV000200118.5), dbSNP rs1555394210, ClinGen allele CA017288.

ClinVar aggregate classification (germline): Pathogenic/Likely pathogenic. Review status: criteria provided, multiple submitters, no conflicts (2 of 4 stars). 2 submissions from 2 submitters: Pathogenic (1); Likely pathogenic (1). Last evaluated 2023-01-24.

Conditions:
Marfan syndrome (MFS). Also called: MARFAN SYNDROME, TYPE I; FBN1-Related Marfan Syndrome; Marfan syndrome, classic; Marfan syndrome type 1; Marfan's syndrome. Identifiers: Orphanet 284963, Orphanet 558, MedGen C0024796, MONDO:0007947, OMIM 154700.
Familial thoracic aortic aneurysm and aortic dissection (TAAD). Also called: Thoracic aortic aneurysms and dissections. Identifiers: Orphanet 91387, MedGen C4707243, MONDO:0019625.
FBN1-related disorder. Also called: FBN1-related disorders.

Submissions (2):

Labcorp Genetics (formerly Invitae), Labcorp
Classification: Pathogenic for Marfan syndrome; Familial thoracic aortic aneurysm and aortic dissection. Last evaluated: 2023-01-24. Review status: criteria provided, single submitter. Criteria: Invitae Variant Classification Sherloc (09022015). Collection method: clinical testing. Allele origin: germline.
Comment: For these reasons, this variant has been classified as Pathogenic. This variant affects a cysteine residue in the EGF-like, TGFBP or hybrid motif domains of FBN1. Cysteine residues are believed to be involved in intramolecular disulfide bridges and have been shown to be important for FBN1 protein structure (PMID: 16905551, 19349279). In addition, missense substitutions affecting cysteine residues within these domains are significantly overrepresented among patients with Marfan syndrome (PMID: 16571647, 17701892). Advanced modeling of protein sequence and biophysical properties (such as structural, functional, and spatial information, amino acid conservation, physicochemical variation, residue mobility, and thermodynamic stability) performed at Invitae indicates that this missense variant is expected to disrupt FBN1 protein function. ClinVar contains an entry for this variant (Variation ID: 200118). This missense change has been observed in individual(s) with Marfan syndrome (Invitae). In at least one individual the variant was observed to be de novo. This variant is not present in population databases (gnomAD no frequency). This sequence change replaces cysteine, which is neutral and slightly polar, with tyrosine, which is neutral and polar, at codon 2535 of the FBN1 protein (p.Cys2535Tyr).

Blueprint Genetics
Classification: Likely pathogenic for FBN1-related disorders. Last evaluated: 2017-09-06. Review status: criteria provided, single submitter. Criteria: ACMG Guidelines, 2015. Collection method: clinical testing. Allele origin: germline. Affected: yes. Observed: 1 variant allele.

Literature cited by the submitters: PubMed 16905551 (cited by Labcorp Genetics (formerly Invitae), Labcorp); PubMed 19349279 (cited by Labcorp Genetics (formerly Invitae), Labcorp); PubMed 16571647 (cited by Labcorp Genetics (formerly Invitae), Labcorp); PubMed 17701892 (cited by Labcorp Genetics (formerly Invitae), Labcorp).